The following is an entry in ClinVar:

ClinVar aggregate classification (germline): Conflicting classifications of pathogenicity. Review status: criteria provided, conflicting classifications (1 of 4 stars). 4 submissions from 4 submitters: Uncertain significance (3); Likely benign (1). Last evaluated 2023-10-02.

Conditions:
Cardiovascular phenotype. Identifiers: MedGen CN230736.
Ehlers-Danlos syndrome (EDS). Identifiers: Orphanet 98249, MedGen C0013720, MONDO:0020066.

Allele frequency attached by ClinVar (database versions not stated): gnomAD 0.00003 and 0.00004; gnomAD exomes 0.00005 and 0.00013; TOPMed 0.00005.
gnomAD v4.1: 32 of 1,550,244 alleles (0.0021%); highest among the groups gnomAD compares: Admixed American, 0.061%; 1 homozygote.

Submissions (4):

Ambry Genetics
Classification: Likely benign for Cardiovascular phenotype. Last evaluated: 2023-10-02. Review status: criteria provided, single submitter. Criteria: Ambry Variant Classification Scheme 2023. Collection method: clinical testing. Allele origin: germline.

GeneDx
Classification: Uncertain significance. Last evaluated: 2023-09-03. Review status: criteria provided, single submitter. Criteria: GeneDx Variant Classification Process June 2021. Collection method: clinical testing. Allele origin: germline. Affected: yes.
Comment: In silico analysis supports that this missense variant has a deleterious effect on protein structure/function; Has not been previously published as pathogenic or benign to our knowledge

Labcorp Genetics (formerly Invitae), Labcorp
Classification: Uncertain significance. Last evaluated: 2022-05-16. Review status: criteria provided, single submitter. Criteria: Invitae Variant Classification Sherloc (09022015). Collection method: clinical testing. Allele origin: germline.
Comment: This sequence change replaces glycine, which is neutral and non-polar, with valine, which is neutral and non-polar, at codon 1914 of the ZNF469 protein (p.Gly1914Val). This variant is present in population databases (no rsID available, gnomAD 0.08%), including at least one homozygous and/or hemizygous individual. This variant has not been reported in the literature in individuals affected with ZNF469-related conditions. Algorithms developed to predict the effect of missense changes on protein structure and function are either unavailable or do not agree on the potential impact of this missense change (SIFT: "Tolerated"; PolyPhen-2: "Possibly Damaging"; Align-GVGD: "Class C0"). Algorithms developed to predict the effect of sequence changes on RNA splicing suggest that this variant may create or strengthen a splice site. In summary, the available evidence is currently insufficient to determine the role of this variant in disease. Therefore, it has been classified as a Variant of Uncertain Significance.

Genome Diagnostics Laboratory, The Hospital for Sick Children
Classification: Uncertain significance for Ehlers-Danlos syndrome. Last evaluated: 2021-01-08. Review status: criteria provided, single submitter. Criteria: ACMG Guidelines, 2015. Collection method: clinical testing. Allele origin: germline.

NM_001367624.2(ZNF469):c.5825G>T (p.Gly1942Val)

Gene: ZNF469 (zinc finger protein 469; plus strand). Cytogenetic location: 16q24.2.
Variant type: single nucleotide variant.
Coding change: c.5825G>T on transcript NM_001367624.2 (MANE Select); coding-DNA position 5825, G replaced by T.
Protein change: p.Gly1942Val; replaces glycine 1942 with valine.
Molecular consequence: missense variant.
Genome position (GRCh38, 1-based): chr16:88,433,295, G>T. VCF-style: chr16-88433295-G-T. GRCh37 (hg19) VCF-style: chr16-88499703-G-T.
Other names: NM_001127464.2:c.5741G>T; NM_001127464.1:c.5741G>T; short protein forms G1942V.
Identifiers: ClinVar variation 1702138 (VCV001702138.8), dbSNP rs977906765, ClinGen allele CA286380888.